The following is an entry in ClinVar:

ClinVar aggregate classification (germline): Uncertain significance. Review status: criteria provided, multiple submitters, no conflicts (2 of 4 stars). 2 submissions from 2 submitters: Uncertain significance (2). Last evaluated 2026-07-31.

Conditions:
Adams-Oliver syndrome 5 (AOS5). Identifiers: Orphanet 974, MedGen C4014970, MONDO:0014459, OMIM 616028.
Familial thoracic aortic aneurysm and aortic dissection (TAAD). Also called: Thoracic aortic aneurysms and dissections. Identifiers: Orphanet 91387, MedGen C4707243, MONDO:0019625.

Submissions (2):

Ambry Genetics
Classification: Uncertain significance for Familial thoracic aortic aneurysm and aortic dissection. Last evaluated: 2026-07-31. Review status: criteria provided, single submitter. Criteria: Ambry Variant Classification Scheme 2023. Collection method: clinical testing. Allele origin: germline.
Comment: The p.T772N variant (also known as c.2315C>A), located in coding exon 14 of the NOTCH1 gene, results from a C to A substitution at nucleotide position 2315. The threonine at codon 772 is replaced by asparagine, an amino acid with similar properties. This amino acid position is conserved. In addition, the in silico prediction for this alteration is inconclusive. Based on the available evidence, the clinical significance of this variant remains unclear.

Labcorp Genetics (formerly Invitae), Labcorp
Classification: Uncertain significance for Adams-Oliver syndrome 5. Last evaluated: 2024-12-23. Review status: criteria provided, single submitter. Criteria: Invitae Variant Classification Sherloc (09022015). Collection method: clinical testing. Allele origin: germline.
Comment: This sequence change replaces threonine, which is neutral and polar, with asparagine, which is neutral and polar, at codon 772 of the NOTCH1 protein (p.Thr772Asn). This variant is not present in population databases (gnomAD no frequency). This variant has not been reported in the literature in individuals affected with NOTCH1-related conditions. ClinVar contains an entry for this variant (Variation ID: 2160743). Invitae Evidence Modeling of protein sequence and biophysical properties (such as structural, functional, and spatial information, amino acid conservation, physicochemical variation, residue mobility, and thermodynamic stability) indicates that this missense variant is not expected to disrupt NOTCH1 protein function with a negative predictive value of 80%. In summary, the available evidence is currently insufficient to determine the role of this variant in disease. Therefore, it has been classified as a Variant of Uncertain Significance.

NM_017617.5(NOTCH1):c.2315C>A (p.Thr772Asn)

Gene: NOTCH1 (notch receptor 1; minus strand). Cytogenetic location: 9q34.3.
Variant type: single nucleotide variant.
Coding change: c.2315C>A on transcript NM_017617.5 (MANE Select); coding-DNA position 2315, C replaced by A.
Protein change: p.Thr772Asn; replaces threonine 772 with asparagine.
Molecular consequence: missense variant.
Genome position (GRCh38, 1-based): chr9:136,513,430, G>T on the plus strand (C>A on the coding strand, the complement: NOTCH1 is on the minus strand). VCF-style: chr9-136513430-G-T. GRCh37 (hg19) VCF-style: chr9-139407882-G-T.
Other names: c.2315C>A (NM_017617.3); short protein forms T772N.
Identifiers: ClinVar variation 2160743 (VCV002160743.6), dbSNP rs1843214365, ClinGen allele CA375556987.